The following is an entry in ClinVar:

NC_000015.10:g.84816861G>T

Gene: ALPK3 (alpha kinase 3; plus strand). Cytogenetic location: 15q25.3.
Variant type: single nucleotide variant.
Genome position: GRCh38 VCF-style: chr15-84816861-G-T. GRCh37 (hg19) VCF-style: chr15-85360092-G-T.
Identifiers: ClinVar variation 1940263 (VCV001940263.5), dbSNP rs1173572586, ClinGen allele CA393367862.

ClinVar aggregate classification (germline): Uncertain significance (1 of 4 stars; one submission).

Allele frequency attached by ClinVar (database versions not stated): gnomAD exomes below 0.00001; gnomAD 0.00001; TOPMed 0.00001.

Submission:

Labcorp Genetics (formerly Invitae), Labcorp
Classification: Uncertain significance. Last evaluated: 2022-07-08. Review status: criteria provided, single submitter. Criteria: Invitae Variant Classification Sherloc (09022015). Collection method: clinical testing. Allele origin: germline.
Comment: This sequence change replaces tryptophan, which is neutral and slightly polar, with cysteine, which is neutral and slightly polar, at codon 5 of the ALPK3 protein (p.Trp5Cys). This variant is not present in population databases (gnomAD no frequency). In summary, the available evidence is currently insufficient to determine the role of this variant in disease. Therefore, it has been classified as a Variant of Uncertain Significance. Algorithms developed to predict the effect of missense changes on protein structure and function (SIFT, PolyPhen-2, Align-GVGD) all suggest that this variant is likely to be tolerated. This variant has not been reported in the literature in individuals affected with ALPK3-related conditions.